The following is an entry in ClinVar:

ClinVar aggregate classification (germline): Likely benign. Review status: criteria provided, multiple submitters, no conflicts (2 of 4 stars). 2 submissions from 2 submitters: Likely benign (2). Last evaluated 2024-01-30.

Conditions:
Inborn genetic diseases. Identifiers: MedGen C0950123, MeSH D030342.

Allele frequency attached by ClinVar (database versions not stated): ExAC 0.00003; gnomAD 0.00003; TOPMed 0.00004; 1000 Genomes Project 30x 0.00016; 1000 Genomes Project 0.00020.
gnomAD v4.1: 54 of 1,607,474 alleles (0.0034%); highest among the groups gnomAD compares: East Asian, 0.038%; no homozygotes.

Submissions (2):

Ambry Genetics
Classification: Likely benign for Inborn genetic diseases. Last evaluated: 2024-01-30. Review status: criteria provided, single submitter. Criteria: Ambry Variant Classification Scheme 2023. Collection method: clinical testing. Allele origin: germline.

CeGaT Center for Human Genetics Tuebingen
Classification: Likely benign. Last evaluated: 2023-11-01. Review status: criteria provided, single submitter. Criteria: CeGaT Center For Human Genetics Tuebingen Variant Classification Criteria Version 2. Collection method: clinical testing. Allele origin: germline. Affected: yes. Observed: 1 variant allele.
Comment: SMO: BP4, BP7

NM_005631.5(SMO):c.1791C>T (p.Asp597=)

Gene: SMO (smoothened, frizzled class receptor; plus strand). Cytogenetic location: 7q32.1.
Variant type: single nucleotide variant.
Coding change: c.1791C>T on transcript NM_005631.5 (MANE Select); coding-DNA position 1791, C replaced by T.
Protein change: p.Asp597=; no amino-acid change (aspartic acid 597 retained).
Molecular consequence: synonymous variant.
Genome position (GRCh38, 1-based): chr7:129,211,103, C>T. VCF-style: chr7-129211103-C-T. GRCh37 (hg19) VCF-style: chr7-128850944-C-T.
Other names: c.1791C>T (NM_005631.4).
Identifiers: ClinVar variation 2673129 (VCV002673129.24), dbSNP rs150159670, ClinGen allele CA4479483.